The following is an entry in ClinVar:

ClinVar aggregate classification (germline): Uncertain significance. Review status: criteria provided, single submitter (1 of 4 stars). 2 submissions from 1 submitter: Uncertain significance (2). Last evaluated 2023-10-18.

Conditions:
FG syndrome 1 (OKS). Also called: FG Syndrome Type 1 (FGS1); OPITZ-KAVEGGIA SYNDROME; KELLER SYNDROME; MENTAL RETARDATION, LARGE HEAD, IMPERFORATE ANUS, CONGENITAL HYPOTONIA, AND PARTIAL AGENESIS OF CORPUS CALLOSUM. Identifiers: Orphanet 93932, MedGen C5399762, MONDO:0010590, OMIM 305450.
FG syndrome (FGS). Identifiers: MedGen C0220769, MONDO:0002010.

Submissions (2):

Labcorp Genetics (formerly Invitae), Labcorp
Classification: Uncertain significance for FG syndrome. Last evaluated: 2023-10-18. Review status: criteria provided, single submitter. Criteria: Invitae Variant Classification Sherloc (09022015). Collection method: clinical testing. Allele origin: unknown.
Comment: This variant results in a copy number gain of the genomic region encompassing exon(s) 25-28 of the MED12 gene. This variant has not been reported in the literature in individuals affected with MED12-related conditions. Experimental studies and prediction algorithms are not available or were not evaluated, and the functional significance of this variant is currently unknown. In summary, the available evidence is currently insufficient to determine the role of this variant in disease. Therefore, it has been classified as a Variant of Uncertain Significance.

Labcorp Genetics (formerly Invitae), Labcorp
Classification: Uncertain significance for FG syndrome. Last evaluated: 2022-10-20. Review status: criteria provided, single submitter. Criteria: Invitae Variant Classification Sherloc (09022015). Collection method: clinical testing. Allele origin: germline.
Comment: This variant results in a copy number gain of the genomic region encompassing exon(s) 25-28 of the MED12 gene. This variant has not been reported in the literature in individuals affected with MED12-related conditions. In summary, the available evidence is currently insufficient to determine the role of this variant in disease. Therefore, it has been classified as a Variant of Uncertain Significance.

NC_000023.10:g.(?_70348944)_(70350084_?)dup

Gene: MED12 (mediator complex subunit 12; plus strand). Cytogenetic location: Xq13.1.
Variant type: Duplication.
Identifiers: ClinVar variation 2425300 (VCV002425300.6).